The following is an entry in ClinVar:

ClinVar aggregate classification (germline): Uncertain significance (1 of 4 stars; one submission).

Conditions:
Glycosylphosphatidylinositol biosynthesis defect 21. Also called: NEURODEVELOPMENTAL DISORDER WITH BRAIN ANOMALIES, SEIZURES, AND SCOLIOSIS. Identifiers: MedGen C5231419, MONDO:0032824, OMIM 618590.

Submission:

Illumina Laboratory Services, Illumina
Classification: Uncertain significance for Glycosylphosphatidylinositol biosynthesis defect 21. Last evaluated: 2019-08-06. Review status: criteria provided, single submitter. Criteria: ICSLVariantClassificationCriteria RUGD 01 April 2020. Collection method: clinical testing. Allele origin: unknown.
Comment: The PIGU c.1195-1576G>A variant is an intronic variant. A literature search was performed for the gene and cDNA change. No publications were found based on this search. This variant is not found in the Genome Aggregation Database (version 2.1.1). Based on the limited evidence, the c.1195-1576G>A variant is classified as a variant of uncertain significance for glycosylphosphatidylinositol biosynthesis defect.

NM_080476.5(PIGU):c.1195-1576G>A

Gene: PIGU (phosphatidylinositol glycan anchor biosynthesis class U; minus strand). Cytogenetic location: 20q11.22.
Variant type: single nucleotide variant.
Coding change: c.1195-1576G>A on transcript NM_080476.5 (MANE Select); 1576 bases into the intron before coding-DNA position 1195, G replaced by A.
Molecular consequence: intron variant.
Genome position (GRCh38, 1-based): chr20:34,562,555, C>T on the plus strand (G>A on the coding strand, the complement: PIGU is on the minus strand). VCF-style: chr20-34562555-C-T. GRCh37 (hg19) VCF-style: chr20-33150359-C-T.
Identifiers: ClinVar variation 3062078 (VCV003062078.1), dbSNP rs1199130637, ClinGen allele CA635314337.